The following is an entry in ClinVar:

NM_000207.3(INS):c.272T>C (p.Ile91Thr)

Genes: INS (insulin; minus strand), INS-IGF2 (INS-IGF2 readthrough; minus strand). Cytogenetic location: 11p15.5.
Variant type: single nucleotide variant.
Coding change: c.272T>C on transcript NM_000207.3 (MANE Select); coding-DNA position 272, T replaced by C.
Protein change: p.Ile91Thr; replaces isoleucine 91 with threonine.
Molecular consequence: missense variant. On other transcripts: intron variant (1).
Genome position (GRCh38, 1-based): chr11:2,159,913, A>G on the plus strand (T>C on the coding strand, the complement: INS is on the minus strand). VCF-style: chr11-2159913-A-G. GRCh37 (hg19) VCF-style: chr11-2181143-A-G.
Other names: c.272T>C, p.Ile91Thr (NM_001185097.2, NM_001185098.2, NM_001291897.2); c.187+872T>C (NM_001042376.3); short protein forms I91T.
Identifiers: ClinVar variation 2856439 (VCV002856439.3), dbSNP rs2495746689, ClinGen allele CA379120892.

ClinVar aggregate classification (germline): Uncertain significance (1 of 4 stars; one submission).

Submission:

Labcorp Genetics (formerly Invitae), Labcorp
Classification: Uncertain significance. Last evaluated: 2023-04-15. Review status: criteria provided, single submitter. Criteria: Invitae Variant Classification Sherloc (09022015). Collection method: clinical testing. Allele origin: germline.
Comment: This variant is not present in population databases (gnomAD no frequency). This variant has not been reported in the literature in individuals affected with INS-related conditions. An algorithm developed to predict the effect of missense changes on protein structure and function (PolyPhen-2) suggests that this variant is likely to be disruptive. In summary, the available evidence is currently insufficient to determine the role of this variant in disease. Therefore, it has been classified as a Variant of Uncertain Significance. This sequence change replaces isoleucine, which is neutral and non-polar, with threonine, which is neutral and polar, at codon 91 of the INS protein (p.Ile91Thr).